The following is an entry in ClinVar:

ClinVar aggregate classification (germline): Uncertain significance (1 of 4 stars; one submission).

Allele frequency attached by ClinVar (database versions not stated): ExAC 0.00001; gnomAD 0.00001; gnomAD exomes 0.00001; 1000 Genomes Project 0.00020; 1000 Genomes Project 30x 0.00031.
gnomAD v4.1: 4 of 1,613,276 alleles (0.00025%); highest among the groups gnomAD compares: South Asian, 0.0044%; no homozygotes.

Submission:

Labcorp Genetics (formerly Invitae), Labcorp
Classification: Uncertain significance. Last evaluated: 2023-03-27. Review status: criteria provided, single submitter. Criteria: Invitae Variant Classification Sherloc (09022015). Collection method: clinical testing. Allele origin: germline.
Comment: In summary, the available evidence is currently insufficient to determine the role of this variant in disease. Therefore, it has been classified as a Variant of Uncertain Significance. Advanced modeling of protein sequence and biophysical properties (such as structural, functional, and spatial information, amino acid conservation, physicochemical variation, residue mobility, and thermodynamic stability) performed at Invitae indicates that this missense variant is not expected to disrupt DSG1 protein function. This variant has not been reported in the literature in individuals affected with DSG1-related conditions. This variant is present in population databases (rs559051142, gnomAD 0.006%). This sequence change replaces proline, which is neutral and non-polar, with threonine, which is neutral and polar, at codon 140 of the DSG1 protein (p.Pro140Thr).

NM_001942.4(DSG1):c.418C>A (p.Pro140Thr)

Gene: DSG1 (desmoglein 1; plus strand). Cytogenetic location: 18q12.1.
Variant type: single nucleotide variant.
Coding change: c.418C>A on transcript NM_001942.4 (MANE Select); coding-DNA position 418, C replaced by A.
Protein change: p.Pro140Thr; replaces proline 140 with threonine.
Molecular consequence: missense variant.
Genome position (GRCh38, 1-based): chr18:31,329,937, C>A. VCF-style: chr18-31329937-C-A. GRCh37 (hg19) VCF-style: chr18-28909900-C-A.
Other names: short protein forms P140T.
Identifiers: ClinVar variation 2777871 (VCV002777871.3), dbSNP rs559051142, ClinGen allele CA8925841.
Genomic context (GRCh38, chr18:31,329,937, plus strand): 5'-TCTTTTCTCTCCCAGATCTACTGCCGAGCTCTGAACTCAATGGGCCAAGATTTAGAGAGG[C>A]CTCTAGAGCTCAGAGTCAGGGTTTTGGATATAAATGACAACCCTCCAGTGTTTTCAATGG-3'
Protein context (NP_001933.2, residues 130-150): LNSMGQDLER[Pro140Thr]LELRVRVLDI